The following is an entry in ClinVar:

ClinVar aggregate classification (germline): Pathogenic (1 of 4 stars; one submission).

Conditions:
Early-infantile DEE. Also called: Ohtahara syndrome; Early infantile epileptic encephalopathy with suppression bursts; Early infantile epileptic encephalopathy. Identifiers: Orphanet 1934, MedGen C0393706, MONDO:0800491.

Submission:

Labcorp Genetics (formerly Invitae), Labcorp
Classification: Pathogenic for Early-infantile DEE. Last evaluated: 2024-02-23. Review status: criteria provided, single submitter. Criteria: Invitae Variant Classification Sherloc (09022015). Collection method: clinical testing. Allele origin: germline.
Comment: This sequence change creates a premature translational stop signal (p.Asn1378Thrfs*13) in the SCN1A gene. It is expected to result in an absent or disrupted protein product. Loss-of-function variants in SCN1A are known to be pathogenic (PMID: 17347258, 18930999). This variant is not present in population databases (gnomAD no frequency). This premature translational stop signal has been observed in individual(s) with Dravet syndrome (PMID: 18930999). For these reasons, this variant has been classified as Pathogenic.

Literature cited by the submitters: PubMed 17347258; PubMed 18930999.

NM_001165963.4(SCN1A):c.4133del (p.Asn1378fs)

Genes: SCN1A (sodium voltage-gated channel alpha subunit 1; minus strand), LOC102724058 (uncharacterized LOC102724058; plus strand). Cytogenetic location: 2q24.3.
Variant type: Deletion.
Coding change: c.4133del on transcript NM_001165963.4 (MANE Select); coding-DNA position 4133, one base deleted (A; older notation c.4133delA).
Protein change: p.Asn1378fs; shifts the reading frame from asparagine 1378.
Molecular consequence: frameshift variant. On other transcripts: non-coding transcript variant (1).
Genome position (GRCh38, 1-based): chr2:166,002,623, T deleted on the plus strand (A on the coding strand, the reverse complement: SCN1A is on the minus strand); the first of 2 consecutive T bases (chr2:166,002,623-166,002,624); deleting either gives the same sequence. VCF-style (leftmost placement, unchanged base first): chr2-166002622-GT-G. GRCh37 (hg19) VCF-style: chr2-166859132-GT-G.
Other names: c.4133del, p.Asn1378fs (NM_001202435.3, NM_001353948.2); c.4100del, p.Asn1367fs (NM_001353949.2, NM_001353950.2, NM_001353951.2 and 2 more transcripts); c.4097del, p.Asn1366fs (NM_001353954.2, NM_001353955.2); c.4049del, p.Asn1350fs (NM_001353957.2, NM_001353958.2, NM_001165964.3); c.4046del, p.Asn1349fs (NM_001353960.2); c.1691del, p.Asn564fs (NM_001353961.2); short protein forms N1367fs, N1350fs, N1378fs, N1349fs, N1366fs, N564fs.
Identifiers: ClinVar variation 3720368 (VCV003720368.2).
Genomic context (GRCh38, chr2:166,002,622, plus strand): 5'-TTTTAGGCAATCAGTATGATTATTCACGTCTTCGATGTCAAACCTGTCACCAGTTGTGGT[GT>G]TAATACAGTGGTAGAATTTGCCAGCAAACAAATTTACGCCCATGATGCTGAAAATTAGCC-3'